The following is an entry in ClinVar:

NM_001271.4(CHD2):c.4587G>A (p.Trp1529Ter)

Gene: CHD2 (chromodomain helicase DNA binding protein 2; plus strand). Cytogenetic location: 15q26.1.
Variant type: single nucleotide variant.
Coding change: c.4587G>A on transcript NM_001271.4 (MANE Select); coding-DNA position 4587, G replaced by A.
Protein change: p.Trp1529Ter; replaces tryptophan 1529 with a stop codon.
Molecular consequence: nonsense.
Genome position (GRCh38, 1-based): chr15:93,009,318, G>A. VCF-style: chr15-93009318-G-A. GRCh37 (hg19) VCF-style: chr15-93552548-G-A.
Other names: short protein forms W1529*.
Identifiers: ClinVar variation 1425893 (VCV001425893.6), dbSNP rs2141881688, ClinGen allele CA393904718.

ClinVar aggregate classification (germline): Pathogenic (1 of 4 stars; one submission).

Conditions:
Developmental and epileptic encephalopathy 94 (DEE94). Also called: CHD2-Related Neurodevelopmental Disorders; Epileptic encephalopathy, childhood-onset. Identifiers: Orphanet 1942, Orphanet 2382, MedGen C3809278, MONDO:0014150, OMIM 615369.

Submission:

Labcorp Genetics (formerly Invitae), Labcorp
Classification: Pathogenic for Developmental and epileptic encephalopathy 94. Last evaluated: 2021-04-22. Review status: criteria provided, single submitter. Criteria: Invitae Variant Classification Sherloc (09022015). Collection method: clinical testing. Allele origin: germline.
Comment: For these reasons, this variant has been classified as Pathogenic. This variant has not been reported in the literature in individuals with CHD2-related conditions. This variant is not present in population databases (ExAC no frequency). This sequence change creates a premature translational stop signal (p.Trp1529*) in the CHD2 gene. It is expected to result in an absent or disrupted protein product. Loss-of-function variants in CHD2 are known to be pathogenic (PMID: 23708187, 24207121).

Literature cited by the submitters: PubMed 23708187; PubMed 24207121.